The following is an entry in ClinVar:

NM_000059.4(BRCA2):c.7889A>G (p.Lys2630Arg)

Gene: BRCA2 (BRCA2 DNA repair associated; plus strand). Cytogenetic location: 13q13.1.
Variant type: single nucleotide variant.
Coding change: c.7889A>G on transcript NM_000059.4 (MANE Select); coding-DNA position 7889, A replaced by G.
Protein change: p.Lys2630Arg; replaces lysine 2630 with arginine.
Molecular consequence: missense variant. On other transcripts: non-coding transcript variant (1).
Genome position (GRCh38, 1-based): chr13:32,362,606, A>G. VCF-style: chr13-32362606-A-G. GRCh37 (hg19) VCF-style: chr13-32936743-A-G.
Other names: c.7889A>G, p.Lys2630Arg (NM_001406720.1, NM_001432077.1); c.2957A>G, p.Lys986Arg (NM_001406721.1); c.1472A>G, p.Lys491Arg (NM_001406722.1); c.7793A>G, p.Lys2598Arg (NM_001406719.1); short protein forms K986R, K2630R, K2598R, K491R.
Identifiers: ClinVar variation 3482108 (VCV003482108.4).

ClinVar aggregate classification (germline): Conflicting classifications of pathogenicity. Review status: criteria provided, conflicting classifications (1 of 4 stars). 2 submissions from 2 submitters: Uncertain significance (1); Likely benign (1). Last evaluated 2025-05-19.

Conditions:
Hereditary cancer-predisposing syndrome. Also called: Tumor predisposition; Neoplastic Syndromes, Hereditary; Hereditary Cancer Syndrome; Hereditary neoplastic syndrome. Identifiers: Orphanet 140162, MedGen C0027672, MeSH D009386, MONDO:0015356.
Hereditary breast ovarian cancer syndrome. Also called: Hereditary breast and ovarian cancer; Breast and ovarian cancer; Hereditary breast and/or ovarian cancer syndrome; Hereditary breast and ovarian cancer syndrome; BRCA1- and BRCA2-Associated Hereditary Breast and Ovarian Cancer; Hereditary breast and ovarian cancer syndrome (HBOC). Identifiers: Orphanet 145, MedGen C0677776, MeSH D061325, MONDO:0003582. Disease mechanism: loss of function.

gnomAD v4.1: 1 of 1,614,194 alleles (0.000062%); highest among the groups gnomAD compares: East Asian, 0.0022%; no homozygotes.

Submissions (2):

Ambry Genetics
Classification: Likely benign for Hereditary cancer-predisposing syndrome. Last evaluated: 2025-05-19. Review status: criteria provided, single submitter. Criteria: Ambry Variant Classification Scheme 2023. Collection method: clinical testing. Allele origin: germline.

Labcorp Genetics (formerly Invitae), Labcorp
Classification: Uncertain significance for Hereditary breast ovarian cancer syndrome. Last evaluated: 2024-02-25. Review status: criteria provided, single submitter. Criteria: Invitae Variant Classification Sherloc (09022015). Collection method: clinical testing. Allele origin: germline.
Comment: This sequence change replaces lysine, which is basic and polar, with arginine, which is basic and polar, at codon 2630 of the BRCA2 protein (p.Lys2630Arg). This variant is not present in population databases (gnomAD no frequency). This variant has not been reported in the literature in individuals affected with BRCA2-related conditions. Advanced modeling of protein sequence and biophysical properties (such as structural, functional, and spatial information, amino acid conservation, physicochemical variation, residue mobility, and thermodynamic stability) has been performed at Invitae for this missense variant, however the output from this modeling did not meet the statistical confidence thresholds required to predict the impact of this variant on BRCA2 protein function. In summary, the available evidence is currently insufficient to determine the role of this variant in disease. Therefore, it has been classified as a Variant of Uncertain Significance.